The following is an entry in ClinVar:

NM_001082538.3(TCTN1):c.865A>G (p.Ile289Val)

Gene: TCTN1 (tectonic family member 1; plus strand). Cytogenetic location: 12q24.11.
Variant type: single nucleotide variant.
Coding change: c.865A>G on transcript NM_001082538.3 (MANE Select); coding-DNA position 865, A replaced by G.
Protein change: p.Ile289Val; replaces isoleucine 289 with valine.
Molecular consequence: missense variant. On other transcripts: non-coding transcript variant (1).
Genome position (GRCh38, 1-based): chr12:110,640,404, A>G. VCF-style: chr12-110640404-A-G. GRCh37 (hg19) VCF-style: chr12-111078209-A-G.
Other names: c.865A>G, p.Ile289Val (NM_001082537.3, NM_001319680.2); c.697A>G, p.Ile233Val (NM_001173975.3); c.685A>G, p.Ile229Val (NM_001173976.2); c.331A>G, p.Ile111Val (NM_001319681.2); c.823A>G, p.Ile275Val (NM_024549.6); short protein forms I229V, I275V, I111V, I233V, I289V.
Identifiers: ClinVar variation 1417876 (VCV001417876.5), dbSNP rs1035223063, ClinGen allele CA243564950.

ClinVar aggregate classification (germline): Conflicting classifications of pathogenicity. Review status: criteria provided, conflicting classifications (1 of 4 stars). 2 submissions from 2 submitters: Uncertain significance (1); Likely benign (1). Last evaluated 2024-04-25.

Conditions:
Meckel-Gruber syndrome. Also called: DYSENCEPHALIA SPLANCHNOCYSTICA; GRUBER SYNDROME; Dysencephalia splachnocystica. Identifiers: Orphanet 564, MedGen C0265215, MONDO:0018921.
Joubert syndrome. Also called: Familial aplasia of the vermis; JOUBERT-BOLTSHAUSER SYNDROME. Identifiers: Orphanet 475, MedGen C5979921, MONDO:0018772.

Allele frequency attached by ClinVar (database versions not stated): gnomAD exomes below 0.00001; gnomAD 0.00002; TOPMed 0.00002.
gnomAD v4.1: 24 of 1,613,990 alleles (0.0015%); highest among the groups gnomAD compares: Middle Eastern, 0.016%; 1 homozygote.

Submissions (2):

Labcorp Genetics (formerly Invitae), Labcorp
Classification: Uncertain significance for Joubert syndrome; Meckel-Gruber syndrome. Last evaluated: 2024-04-25. Review status: criteria provided, single submitter. Criteria: Invitae Variant Classification Sherloc (09022015). Collection method: clinical testing. Allele origin: germline.
Comment: This sequence change replaces isoleucine, which is neutral and non-polar, with valine, which is neutral and non-polar, at codon 289 of the TCTN1 protein (p.Ile289Val). This variant is present in population databases (no rsID available, gnomAD 0.003%). This variant has not been reported in the literature in individuals affected with TCTN1-related conditions. ClinVar contains an entry for this variant (Variation ID: 1417876). Advanced modeling of protein sequence and biophysical properties (such as structural, functional, and spatial information, amino acid conservation, physicochemical variation, residue mobility, and thermodynamic stability) performed at Invitae indicates that this missense variant is not expected to disrupt TCTN1 protein function with a negative predictive value of 80%. In summary, the available evidence is currently insufficient to determine the role of this variant in disease. Therefore, it has been classified as a Variant of Uncertain Significance.

Blueprint Genetics
Classification: Likely benign. Last evaluated: 2023-11-23. Review status: criteria provided, single submitter. Criteria: ACMG Guidelines, 2015. Collection method: clinical testing. Allele origin: germline.